The following is an entry in ClinVar:

ClinVar aggregate classification (germline): Uncertain significance (1 of 4 stars; one submission).

gnomAD v4.1: 2 of 1,613,996 alleles (0.00012%); highest among the groups gnomAD compares: Non-Finnish European, 0.00017%; no homozygotes.

Submission:

GeneDx
Classification: Uncertain significance. Last evaluated: 2024-11-27. Review status: criteria provided, single submitter. Criteria: GeneDx Variant Classification Process June 2021. Collection method: clinical testing. Allele origin: germline. Affected: yes.
Comment: In silico analysis supports that this missense variant has a deleterious effect on protein structure/function; Has not been previously published as pathogenic or benign to our knowledge

NM_006922.4(SCN3A):c.29G>A (p.Gly10Glu)

Gene: SCN3A (sodium voltage-gated channel alpha subunit 3; minus strand). Cytogenetic location: 2q24.3.
Variant type: single nucleotide variant.
Coding change: c.29G>A on transcript NM_006922.4 (MANE Select); coding-DNA position 29, G replaced by A.
Protein change: p.Gly10Glu; replaces glycine 10 with glutamic acid.
Molecular consequence: missense variant.
Genome position (GRCh38, 1-based): chr2:165,176,366, C>T on the plus strand (G>A on the coding strand, the complement: SCN3A is on the minus strand). VCF-style: chr2-165176366-C-T. GRCh37 (hg19) VCF-style: chr2-166032876-C-T.
Other names: c.29G>A, p.Gly10Glu (NM_001081676.2, NM_001081677.2); short protein forms G10E.
Identifiers: ClinVar variation 3900831 (VCV003900831.1).